The following is an entry in ClinVar:

ClinVar aggregate classification (germline): Uncertain significance (1 of 4 stars; one submission).

Submission:

Labcorp Genetics (formerly Invitae), Labcorp
Classification: Uncertain significance. Last evaluated: 2024-02-02. Review status: criteria provided, single submitter. Criteria: Invitae Variant Classification Sherloc (09022015). Collection method: clinical testing. Allele origin: germline.
Comment: This sequence change falls in intron 10 of the RECQL gene. It does not directly change the encoded amino acid sequence of the RECQL protein. This variant is not present in population databases (gnomAD no frequency). This variant has not been reported in the literature in individuals affected with RECQL-related conditions. Algorithms developed to predict the effect of sequence changes on RNA splicing suggest that this variant may disrupt the consensus splice site. In summary, the available evidence is currently insufficient to determine the role of this variant in disease. Therefore, it has been classified as a Variant of Uncertain Significance.

NM_002907.4(RECQL):c.1217-11T>C

Gene: RECQL (RecQ like helicase; minus strand). Cytogenetic location: 12p12.1.
Variant type: single nucleotide variant.
Coding change: c.1217-11T>C on transcript NM_002907.4 (MANE Select); 11 bases into the intron before coding-DNA position 1217, T replaced by C.
Molecular consequence: intron variant.
Genome position (GRCh38, 1-based): chr12:21,474,990, A>G on the plus strand (T>C on the coding strand, the complement: RECQL is on the minus strand). VCF-style: chr12-21474990-A-G. GRCh37 (hg19) VCF-style: chr12-21627924-A-G.
Other names: c.1217-11T>C (NM_032941.3).
Identifiers: ClinVar variation 3633431 (VCV003633431.2).